The following is an entry in ClinVar:

NM_002471.4(MYH6):c.852C>T (p.Tyr284=)

Gene: MYH6 (myosin heavy chain 6; minus strand). Cytogenetic location: 14q11.2.
Variant type: single nucleotide variant.
Coding change: c.852C>T on transcript NM_002471.4 (MANE Select); coding-DNA position 852, C replaced by T.
Protein change: p.Tyr284=; no amino-acid change (tyrosine 284 retained).
Molecular consequence: synonymous variant.
Genome position (GRCh38, 1-based): chr14:23,403,394, G>A on the plus strand (C>T on the coding strand, the complement: MYH6 is on the minus strand). VCF-style: chr14-23403394-G-A. GRCh37 (hg19) VCF-style: chr14-23872603-G-A.
Other names: c.852C>T (NM_002471.3).
Identifiers: ClinVar variation 1156267 (VCV001156267.10), dbSNP rs1168415754, ClinGen allele CA485611086.
Genomic context (GRCh38, chr14:23,403,394, plus strand): 5'-GCAGGCAGGTTCACCCAGCAACTCCGGCTTCTTGTTGGACAGAATCTGGTAGAAGATGTG[G>A]TAGTTTCTCTCAGCTTTCAGCTGGAAGATCACCCGGGACTTCTCCAGCAGGTCTGAGGTG-3'
Protein context (NP_002462.2, residues 274-294): VIFQLKAERN[Tyr284=]HIFYQILSNK

ClinVar aggregate classification (germline): Conflicting classifications of pathogenicity. Review status: criteria provided, conflicting classifications (1 of 4 stars). 2 submissions from 2 submitters: Uncertain significance (1); Likely benign (1). Last evaluated 2025-04-16.

Conditions:
Cardiovascular phenotype. Identifiers: MedGen CN230736.
Hypertrophic cardiomyopathy 14. Identifiers: MedGen C2750467, MONDO:0013197, OMIM 613251.

Allele frequency attached by ClinVar (database versions not stated): TOPMed 0.00001; gnomAD exomes below 0.00001 and 0.00001; gnomAD 0.00001.
gnomAD v4.1: 5 of 1,614,000 alleles (0.00031%); highest among the groups gnomAD compares: South Asian, 0.0011%; no homozygotes.

Submissions (2):

Ambry Genetics
Classification: Uncertain significance for Cardiovascular phenotype. Last evaluated: 2025-04-16. Review status: criteria provided, single submitter. Criteria: Ambry Variant Classification Scheme 2023. Collection method: clinical testing. Allele origin: germline.
Comment: The c.852C>T variant (also known as p.Y284Y), located in coding exon 8 of the MYH6 gene, results from a C to T substitution at nucleotide position 852. This nucleotide substitution does not change the amino acid at codon 284. This nucleotide position is well conserved in available vertebrate species. In silico splice site analysis for this alteration is inconclusive. Based on the available evidence, the clinical significance of this variant remains unclear.

Labcorp Genetics (formerly Invitae), Labcorp
Classification: Likely benign for Hypertrophic cardiomyopathy 14. Last evaluated: 2024-05-03. Review status: criteria provided, single submitter. Criteria: Invitae Variant Classification Sherloc (09022015). Collection method: clinical testing. Allele origin: germline.